The following is an entry in ClinVar:

NM_053025.4(MYLK):c.3085G>A (p.Ala1029Thr)

Gene: MYLK (myosin light chain kinase; minus strand). Cytogenetic location: 3q21.1.
Variant type: single nucleotide variant.
Coding change: c.3085G>A on transcript NM_053025.4 (MANE Select); coding-DNA position 3085, G replaced by A.
Protein change: p.Ala1029Thr; replaces alanine 1029 with threonine.
Molecular consequence: missense variant.
Genome position (GRCh38, 1-based): chr3:123,700,383, C>T on the plus strand (G>A on the coding strand, the complement: MYLK is on the minus strand). VCF-style: chr3-123700383-C-T. GRCh37 (hg19) VCF-style: chr3-123419230-C-T.
Other names: c.3085G>A, p.Ala1029Thr (NM_053027.4); c.2878G>A, p.Ala960Thr (NM_053028.4, NM_053026.4); c.2557G>A, p.Ala853Thr (NM_001321309.2); short protein forms A1029T, A853T, A960T.
Identifiers: ClinVar variation 994258 (VCV000994258.21), dbSNP rs1302330903, ClinGen allele CA354230093.

ClinVar aggregate classification (germline): Conflicting classifications of pathogenicity. Review status: criteria provided, conflicting classifications (1 of 4 stars). 4 submissions from 4 submitters: Uncertain significance (3); Likely benign (1). Last evaluated 2026-07-15.

Conditions:
Familial thoracic aortic aneurysm and aortic dissection (TAAD). Also called: Thoracic aortic aneurysms and dissections. Identifiers: Orphanet 91387, MedGen C4707243, MONDO:0019625.
Aortic aneurysm, familial thoracic 7 (AAT7). Also called: AORTIC DISSECTION, FAMILIAL, WITH OR WITHOUT AORTIC ANEURYSM. Identifiers: MedGen C3151077, MONDO:0013418, OMIM 613780.

Allele frequency attached by ClinVar (database versions not stated): gnomAD exomes below 0.00001; TOPMed 0.00001; gnomAD 0.00001.
gnomAD v4.1: 4 of 1,613,628 alleles (0.00025%); highest among the groups gnomAD compares: East Asian, 0.0022%; no homozygotes.

Submissions (4):

Ambry Genetics
Classification: Likely benign for Familial thoracic aortic aneurysm and aortic dissection. Last evaluated: 2026-07-15. Review status: criteria provided, single submitter. Criteria: Ambry Variant Classification Scheme 2023. Collection method: clinical testing. Allele origin: germline.

Labcorp Genetics (formerly Invitae), Labcorp
Classification: Uncertain significance for Aortic aneurysm, familial thoracic 7. Last evaluated: 2024-09-22. Review status: criteria provided, single submitter. Criteria: Invitae Variant Classification Sherloc (09022015). Collection method: clinical testing. Allele origin: germline.
Comment: This sequence change replaces alanine, which is neutral and non-polar, with threonine, which is neutral and polar, at codon 1029 of the MYLK protein (p.Ala1029Thr). This variant is present in population databases (no rsID available, gnomAD 0.006%). This variant has not been reported in the literature in individuals affected with MYLK-related conditions. ClinVar contains an entry for this variant (Variation ID: 994258). Invitae Evidence Modeling of protein sequence and biophysical properties (such as structural, functional, and spatial information, amino acid conservation, physicochemical variation, residue mobility, and thermodynamic stability) indicates that this missense variant is not expected to disrupt MYLK protein function with a negative predictive value of 80%. In summary, the available evidence is currently insufficient to determine the role of this variant in disease. Therefore, it has been classified as a Variant of Uncertain Significance.

GeneDx
Classification: Uncertain significance. Last evaluated: 2024-04-23. Review status: criteria provided, single submitter. Criteria: GeneDx Variant Classification Process June 2021. Collection method: clinical testing. Allele origin: germline. Affected: yes.
Comment: Has not been previously published as pathogenic or benign to our knowledge; Not observed at significant frequency in large population cohorts (gnomAD); In silico analysis indicates that this missense variant does not alter protein structure/function

ARUP Laboratories, Molecular Genetics and Genomics, ARUP Laboratories
Classification: Uncertain significance. Last evaluated: 2020-02-16. Review status: criteria provided, single submitter. Criteria: ARUP Molecular Germline Variant Investigation Process. Collection method: clinical testing. Allele origin: germline.
Comment: The MYLK c.3085G>A; p.Ala1029Thr variant (rs1302330903), to our knowledge, is not reported in the medical literature or gene specific databases. This variant is only observed on one allele in the Genome Aggregation Database, indicating it is not a common polymorphism. The alanine at codon 1029 is weakly conserved, and computational analyses (SIFT: damaging, PolyPhen-2: benign) predict conflicting effects of this variant on protein structure/function. Due to limited information, the clinical significance of the p.Ala1029Thr variant is uncertain at this time.